The following is an entry in ClinVar:

NM_003791.4(MBTPS1):c.1679G>A (p.Gly560Asp)

Gene: MBTPS1 (membrane bound transcription factor peptidase, site 1; minus strand). Cytogenetic location: 16q23.3.
Variant type: single nucleotide variant.
Coding change: c.1679G>A on transcript NM_003791.4 (MANE Select); coding-DNA position 1679, G replaced by A.
Protein change: p.Gly560Asp; replaces glycine 560 with aspartic acid.
Molecular consequence: missense variant.
Genome position (GRCh38, 1-based): chr16:84,070,691, C>T on the plus strand (G>A on the coding strand, the complement: MBTPS1 is on the minus strand). VCF-style: chr16-84070691-C-T. GRCh37 (hg19) VCF-style: chr16-84104296-C-T.
Other names: short protein forms G560D.
Identifiers: ClinVar variation 2151183 (VCV002151183.2), dbSNP rs377690281, ClinGen allele CA8201209.

ClinVar aggregate classification (germline): Uncertain significance (1 of 4 stars; one submission).

Allele frequency attached by ClinVar (database versions not stated): TOPMed 0.00004; ExAC 0.00007; gnomAD 0.00008; gnomAD exomes 0.00010; ESP Exome Variant Server 0.00015; 1000 Genomes Project 30x 0.00016.
gnomAD v4.1: 153 of 1,613,996 alleles (0.0095%); highest among the groups gnomAD compares: Non-Finnish European, 0.013%; 1 homozygote.

Submission:

Labcorp Genetics (formerly Invitae), Labcorp
Classification: Uncertain significance. Last evaluated: 2023-11-10. Review status: criteria provided, single submitter. Criteria: Invitae Variant Classification Sherloc (09022015). Collection method: clinical testing. Allele origin: germline.
Comment: This sequence change replaces glycine, which is neutral and non-polar, with aspartic acid, which is acidic and polar, at codon 560 of the MBTPS1 protein (p.Gly560Asp). This variant is present in population databases (rs377690281, gnomAD 0.01%). This variant has not been reported in the literature in individuals affected with MBTPS1-related conditions. ClinVar contains an entry for this variant (Variation ID: 2151183). An algorithm developed to predict the effect of missense changes on protein structure and function (PolyPhen-2) suggests that this variant is likely to be disruptive. In summary, the available evidence is currently insufficient to determine the role of this variant in disease. Therefore, it has been classified as a Variant of Uncertain Significance.